The following is an entry in ClinVar:

ClinVar aggregate classification (germline): Pathogenic/Likely pathogenic. Review status: criteria provided, multiple submitters, no conflicts (2 of 4 stars). 3 submissions from 3 submitters: Pathogenic (1); Likely pathogenic (2). Last evaluated 2025-06-03.

Conditions:
Hypertrophic cardiomyopathy. Also called: HYPERTROPHIC MYOCARDIOPATHY. Identifiers: Orphanet 217569, MedGen C0007194, MeSH D002312, MONDO:0005045, HP:0001639.
Hypertrophic cardiomyopathy 4. Also called: Familial hypertrophic cardiomyopathy 4. Identifiers: MedGen C1861862, MONDO:0007268, OMIM 115197.

Submissions (3):

Labcorp Genetics (formerly Invitae), Labcorp
Classification: Pathogenic for Hypertrophic cardiomyopathy. Last evaluated: 2025-06-03. Review status: criteria provided, single submitter. Criteria: Invitae Variant Classification Sherloc (09022015). Collection method: clinical testing. Allele origin: germline.
Comment: This sequence change creates a premature translational stop signal (p.Gln761*) in the MYBPC3 gene. It is expected to result in an absent or disrupted protein product. Loss-of-function variants in MYBPC3 are known to be pathogenic (PMID: 19574547). This variant is not present in population databases (gnomAD no frequency). This premature translational stop signal has been observed in individual(s) with hypertrophic cardiomyopathy (PMID: 31513939). ClinVar contains an entry for this variant (Variation ID: 619253). For these reasons, this variant has been classified as Pathogenic.

Center for Human Genetics, University of Leuven
Classification: Likely pathogenic for Hypertrophic cardiomyopathy. Last evaluated: 2018-10-31. Review status: criteria provided, single submitter. Criteria: ACMG Guidelines, 2015. Collection method: clinical testing. Allele origin: germline. Affected: yes.

Clinical Genetics Service, Universitary Hospital 12 de Octubre
Classification: Likely pathogenic for Hypertrophic cardiomyopathy 4. Review status: criteria provided, single submitter. Criteria: ACMG Guidelines, 2015. Collection method: clinical testing. Allele origin: germline. Affected: yes.

Literature cited by the submitters: PubMed 19574547 (cited by Labcorp Genetics (formerly Invitae), Labcorp); PubMed 31513939 (cited by Labcorp Genetics (formerly Invitae), Labcorp).

NM_000256.3(MYBPC3):c.2281C>T (p.Gln761Ter)

Gene: MYBPC3 (myosin binding protein C3; minus strand). Cytogenetic location: 11p11.2.
Variant type: single nucleotide variant.
Coding change: c.2281C>T on transcript NM_000256.3 (MANE Select); coding-DNA position 2281, C replaced by T.
Protein change: p.Gln761Ter; replaces glutamine 761 with a stop codon.
Molecular consequence: nonsense.
Genome position (GRCh38, 1-based): chr11:47,338,547, G>A on the plus strand (C>T on the coding strand, the complement: MYBPC3 is on the minus strand). VCF-style: chr11-47338547-G-A. GRCh37 (hg19) VCF-style: chr11-47360098-G-A.
Other names: c.2281C>T, p.Gln761Ter (LRG_386t1); short protein forms Q761*.
Identifiers: ClinVar variation 619253 (VCV000619253.4), dbSNP rs1565625795, ClinGen allele CA380320192.
Genomic context (GRCh38, chr11:47,338,547, plus strand): 5'-GTGTTCTCCAGCTTGGACCCCGGCCGGCCTCACCGATGACCTTGACTGTGAGGTTGACCT[G>A]GTCCTCGCCCACAGGGTTCTTCACTGTGACCGTGTAGACGCCCTCATCTTCCTTCTCTGC-3'